The following is an entry in ClinVar:

ClinVar aggregate classification (germline): Likely benign. Review status: criteria provided, multiple submitters, no conflicts (2 of 4 stars). 2 submissions from 2 submitters: Likely benign (2). Last evaluated 2026-01-08.

Conditions:
ANLN-related disorder. Also called: ANLN-related condition.

gnomAD v4.1: 186 of 1,614,010 alleles (0.012%); highest among the groups gnomAD compares: South Asian, 0.17%; 2 homozygotes.

Submissions (2):

Labcorp Genetics (formerly Invitae), Labcorp
Classification: Likely benign. Last evaluated: 2026-01-08. Review status: criteria provided, single submitter. Criteria: Invitae Variant Classification Sherloc (09022015). Collection method: clinical testing. Allele origin: germline.

PreventionGenetics, part of Exact Sciences
Classification: Likely benign for ANLN-related condition. Last evaluated: 2025-06-30. Review status: criteria provided, single submitter. Criteria: ACMG Guidelines, 2015. Collection method: clinical testing. Allele origin: germline.
Comment: This variant is classified as likely benign based on ACMG/AMP sequence variant interpretation guidelines (Richards et al. 2015 PMID: 25741868, with internal and published modifications).

NM_018685.5(ANLN):c.416C>T (p.Ala139Val)

Gene: ANLN (anillin, actin binding protein; plus strand). Cytogenetic location: 7p14.2.
Variant type: single nucleotide variant.
Coding change: c.416C>T on transcript NM_018685.5 (MANE Select); coding-DNA position 416, C replaced by T.
Protein change: p.Ala139Val; replaces alanine 139 with valine.
Molecular consequence: missense variant.
Genome position (GRCh38, 1-based): chr7:36,399,322, C>T. VCF-style: chr7-36399322-C-T. GRCh37 (hg19) VCF-style: chr7-36438931-C-T.
Other names: c.416C>T (NM_018685.4); c.416C>T, p.Ala139Val (NM_001284301.3, NM_001284302.3); short protein forms A139V.
Identifiers: ClinVar variation 3633701 (VCV003633701.3).